The following is an entry in ClinVar:

ClinVar aggregate classification (germline): Uncertain significance. Review status: criteria provided, multiple submitters, no conflicts (2 of 4 stars). 3 submissions from 3 submitters: Uncertain significance (3). Last evaluated 2026-04-06.

Allele frequency attached by ClinVar (database versions not stated): gnomAD 0.00031; 1000 Genomes Project 0.00060; gnomAD exomes 0.00009 and 0.00003; ESP Exome Variant Server 0.00015; 1000 Genomes Project 30x 0.00047; ExAC 0.00008; TOPMed 0.00033.
gnomAD v4.1: 97 of 1,614,034 alleles (0.006%); highest among the groups gnomAD compares: African/African-American, 0.089%; no homozygotes.

Submissions (3):

GeneDx
Classification: Uncertain significance. Last evaluated: 2026-04-06. Review status: criteria provided, single submitter. Criteria: GeneDx Variant Classification Process June 2021. Collection method: clinical testing. Allele origin: germline.
Comment: In silico analysis supports that this missense variant has a deleterious effect on protein structure/function; Has not been previously published as pathogenic or benign to our knowledge

Ambry Genetics
Classification: Uncertain significance. Last evaluated: 2025-09-10. Review status: criteria provided, single submitter. Criteria: Ambry Variant Classification Scheme 2023. Collection method: clinical testing. Allele origin: germline.

Labcorp Genetics (formerly Invitae), Labcorp
Classification: Uncertain significance. Last evaluated: 2022-08-13. Review status: criteria provided, single submitter. Criteria: Invitae Variant Classification Sherloc (09022015). Collection method: clinical testing. Allele origin: germline.
Comment: This sequence change replaces arginine, which is basic and polar, with cysteine, which is neutral and slightly polar, at codon 479 of the PLEKHG2 protein (p.Arg479Cys). This variant is present in population databases (rs144606612, gnomAD 0.09%). This variant has not been reported in the literature in individuals affected with PLEKHG2-related conditions. ClinVar contains an entry for this variant (Variation ID: 1364078). Algorithms developed to predict the effect of missense changes on protein structure and function (SIFT, PolyPhen-2, Align-GVGD) all suggest that this variant is likely to be disruptive. In summary, the available evidence is currently insufficient to determine the role of this variant in disease. Therefore, it has been classified as a Variant of Uncertain Significance.

NM_022835.3(PLEKHG2):c.1435C>T (p.Arg479Cys)

Gene: PLEKHG2 (pleckstrin homology and RhoGEF domain containing G2; plus strand). Cytogenetic location: 19q13.2.
Variant type: single nucleotide variant.
Coding change: c.1435C>T on transcript NM_022835.3 (MANE Select); coding-DNA position 1435, C replaced by T.
Protein change: p.Arg479Cys; replaces arginine 479 with cysteine.
Molecular consequence: missense variant.
Genome position (GRCh38, 1-based): chr19:39,420,984, C>T. VCF-style: chr19-39420984-C-T. GRCh37 (hg19) VCF-style: chr19-39911624-C-T.
Other names: c.1435C>T (NM_022835.2); c.1258C>T, p.Arg420Cys (NM_001351693.2); c.1435C>T, p.Arg479Cys (NM_001351694.2); short protein forms R479C, R420C.
Identifiers: ClinVar variation 1364078 (VCV001364078.5), dbSNP rs144606612, ClinGen allele CA9429508.
Genomic context (GRCh38, chr19:39,420,984, plus strand): 5'-AGGGCTCTGGCCCTCCCTCCCACAGCTCCATCTCCTGGGCCCTCTGTGATTCGCCGAGGC[C>T]GCAGGCAGTCTGGTGAGCACTCACCCCTAAGGGTGATCCAGGCATCGGGGTGGGAGCTGG-3'
Protein context (NP_073746.2, residues 469-489): SPGPSVIRRG[Arg479Cys]RQSEPVKDPY